The following is an entry in ClinVar:

NM_006206.6(PDGFRA):c.1433C>T (p.Ser478Phe)

Gene: PDGFRA (platelet derived growth factor receptor alpha; plus strand). Cytogenetic location: 4q12.
Variant type: single nucleotide variant.
Coding change: c.1433C>T on transcript NM_006206.6 (MANE Select); coding-DNA position 1433, C replaced by T.
Protein change: p.Ser478Phe; replaces serine 478 with phenylalanine.
Molecular consequence: missense variant.
Genome position (GRCh38, 1-based): chr4:54,273,605, C>T. VCF-style: chr4-54273605-C-T. GRCh37 (hg19) VCF-style: chr4-55139772-C-T.
Other names: c.1433C>T, p.Ser478Phe (NM_001347827.2, NM_001347829.2); c.1508C>T, p.Ser503Phe (NM_001347828.2); c.1472C>T, p.Ser491Phe (NM_001347830.2); short protein forms S478F, S491F, S503F.
Identifiers: ClinVar variation 854320 (VCV000854320.10), dbSNP rs1723531494, ClinGen allele CA356892561.

ClinVar aggregate classification (germline): Uncertain significance. Review status: criteria provided, multiple submitters, no conflicts (2 of 4 stars). 2 submissions from 2 submitters: Uncertain significance (2). Last evaluated 2024-07-22.

Conditions:
Gastrointestinal stromal tumor. Also called: Gastrointestinal stromal tumor, somatic; Gastrointestinal stroma tumor. Identifiers: Orphanet 44890, MedGen C0238198, MeSH D046152, MONDO:0011719, OMIM 606764, HP:0100723.
Hereditary cancer-predisposing syndrome. Also called: Neoplastic Syndromes, Hereditary; Tumor predisposition; Hereditary Cancer Syndrome; Hereditary neoplastic syndrome. Identifiers: Orphanet 140162, MedGen C0027672, MeSH D009386, MONDO:0015356.

gnomAD v4.1: 2 of 1,614,102 alleles (0.00012%); no homozygotes.

Submissions (2):

Labcorp Genetics (formerly Invitae), Labcorp
Classification: Uncertain significance for Gastrointestinal stromal tumor. Last evaluated: 2024-07-22. Review status: criteria provided, single submitter. Criteria: Invitae Variant Classification Sherloc (09022015). Collection method: clinical testing. Allele origin: germline.
Comment: This sequence change replaces serine, which is neutral and polar, with phenylalanine, which is neutral and non-polar, at codon 478 of the PDGFRA protein (p.Ser478Phe). This variant is not present in population databases (gnomAD no frequency). This variant has not been reported in the literature in individuals affected with PDGFRA-related conditions. ClinVar contains an entry for this variant (Variation ID: 854320). Advanced modeling of protein sequence and biophysical properties (such as structural, functional, and spatial information, amino acid conservation, physicochemical variation, residue mobility, and thermodynamic stability) performed at Invitae indicates that this missense variant is not expected to disrupt PDGFRA protein function with a negative predictive value of 80%. In summary, the available evidence is currently insufficient to determine the role of this variant in disease. Therefore, it has been classified as a Variant of Uncertain Significance.

Ambry Genetics
Classification: Uncertain significance for Hereditary cancer-predisposing syndrome. Last evaluated: 2024-02-25. Review status: criteria provided, single submitter. Criteria: Ambry Variant Classification Scheme 2023. Collection method: clinical testing. Allele origin: germline.
Comment: The p.S478F variant (also known as c.1433C>T), located in coding exon 9 of the PDGFRA gene, results from a C to T substitution at nucleotide position 1433. The serine at codon 478 is replaced by phenylalanine, an amino acid with highly dissimilar properties. This amino acid position is conserved. In addition, this alteration is predicted to be tolerated by in silico analysis. Since supporting evidence is limited at this time, the clinical significance of this alteration remains unclear.